The following is an entry in ClinVar:

NM_000051.4(ATM):c.8786+10A>T

Genes: C11orf65 (chromosome 11 open reading frame 65; minus strand), ATM (ATM serine/threonine kinase; plus strand). Cytogenetic location: 11q22.3.
Variant type: single nucleotide variant.
Coding change: c.8786+10A>T on transcript NM_000051.4 (MANE Select); 10 bases into the intron after coding-DNA position 8786, A replaced by T.
Molecular consequence: intron variant.
Genome position (GRCh38, 1-based): chr11:108,353,890, A>T. VCF-style: chr11-108353890-A-T. GRCh37 (hg19) VCF-style: chr11-108224617-A-T.
Other names: c.8786+10A>T (NM_001351834.2); c.640+32030T>A (NM_001330368.2); c.695-18598T>A (NM_001351110.2).
Identifiers: ClinVar variation 3254151 (VCV003254151.1), dbSNP rs1591307673.

ClinVar aggregate classification (germline): Likely benign (1 of 4 stars; one submission).

Conditions:
Familial cancer of breast. Also called: hereditary breast carcinoma; BREAST CANCER, FAMILIAL; Hereditary breast cancer. Identifiers: Orphanet 227535, MedGen C0346153, MONDO:0016419, OMIM 114480. Disease mechanism: loss of function.

Submission:

Myriad Genetics, Inc.
Classification: Likely benign for Familial cancer of breast. Last evaluated: 2024-06-20. Review status: criteria provided, single submitter. Criteria: Myriad Autosomal Dominant, Autosomal Recessive and X-Linked Classification Criteria (2023). Collection method: clinical testing. Allele origin: unknown.
Comment: This variant is considered likely benign. This variant is intronic and is not expected to impact mRNA splicing.